The following is an entry in ClinVar:

ClinVar aggregate classification (germline): Uncertain significance (1 of 4 stars; one submission).

gnomAD v4.1: 1 of 1,613,318 alleles (0.000062%); highest among the groups gnomAD compares: Non-Finnish European, 0.000085%; no homozygotes.

Submission:

Women's Health and Genetics/Laboratory Corporation of America, LabCorp
Classification: Uncertain significance. Last evaluated: 2024-11-01. Review status: criteria provided, single submitter. Criteria: LabCorp Variant Classification Summary - May 2015. Collection method: clinical testing. Allele origin: germline.
Comment: Variant summary: RYR1 c.1931G>T (p.Arg644Leu) results in a non-conservative amino acid change located in the B30.2/SPRY domain (IPR001870) of the encoded protein sequence. Four of five in-silico tools predict a damaging effect of the variant on protein function. The variant was absent in 250488 control chromosomes. c.1931G>T has been reported in the literature in individuals affected with Myopathy (Klein_2012). These data indicate that the variant may be associated with disease. To our knowledge, no experimental evidence demonstrating an impact on protein function has been reported. The following publication have been ascertained in the context of this evaluation (PMID: 22473935). No submitters have cited clinical-significance assessments for this variant to ClinVar. Based on the evidence outlined above, the variant was classified as VUS-possibly pathogenic.

Literature cited by the submitters: PubMed 22473935.

NM_000540.3(RYR1):c.1931G>T (p.Arg644Leu)

Gene: RYR1 (ryanodine receptor 1; plus strand). Cytogenetic location: 19q13.2.
Variant type: single nucleotide variant.
Coding change: c.1931G>T on transcript NM_000540.3 (MANE Select); coding-DNA position 1931, G replaced by T.
Protein change: p.Arg644Leu; replaces arginine 644 with leucine.
Molecular consequence: missense variant.
Genome position (GRCh38, 1-based): chr19:38,458,056, G>T. VCF-style: chr19-38458056-G-T. GRCh37 (hg19) VCF-style: chr19-38948696-G-T.
Other names: c.1931G>T, p.Arg644Leu (NM_001042723.2); short protein forms R644L.
Identifiers: ClinVar variation 3629902 (VCV003629902.1).